The following is an entry in ClinVar:

ClinVar aggregate classification (germline): Uncertain significance. Review status: criteria provided, multiple submitters, no conflicts (2 of 4 stars). 6 submissions from 6 submitters: Uncertain significance (5). 1 of the submissions does not count toward it. Last evaluated 2025-12-04.

Conditions:
Inborn genetic diseases. Identifiers: MedGen C0950123, MeSH D030342.
Ehlers-Danlos syndrome, dermatosparaxis type. Also called: EDS VIIC; Ehlers-Danlos syndrome, type VII, autosomal recessive; Dermatosparaxis. Identifiers: Orphanet 1901, MedGen C2700425, MONDO:0009161, OMIM 225410.
ADAMTS2-related disorder. Also called: ADAMTS2-related condition.

Allele frequency attached by ClinVar (database versions not stated): ExAC 0.00002; gnomAD exomes 0.00002; TOPMed 0.00002; gnomAD 0.00006; ESP Exome Variant Server 0.00008.
gnomAD v4.1: 20 of 1,612,252 alleles (0.0012%); highest among the groups gnomAD compares: South Asian, 0.0022%; no homozygotes.

Submissions (6):

Ambry Genetics
Classification: Uncertain significance for Inborn genetic diseases. Last evaluated: 2025-12-04. Review status: criteria provided, single submitter. Criteria: Ambry Variant Classification Scheme 2023. Collection method: clinical testing. Allele origin: germline.

Women's Health and Genetics/Laboratory Corporation of America, LabCorp
Classification: Uncertain significance. Last evaluated: 2025-10-27. Review status: criteria provided, single submitter. Criteria: LabCorp Variant Classification Summary - May 2015. Collection method: clinical testing. Allele origin: germline.
Comment: Variant summary: ADAMTS2 c.640C>T (p.Arg214Trp) results in a non-conservative amino acid change in the encoded protein sequence. Algorithms developed to predict the effect of missense changes on protein structure and function are either unavailable or do not agree on the potential impact of this missense change. The variant allele was found at a frequency of 2e-05 in 250130 control chromosomes. The available data on variant occurrences in the general population are insufficient to allow any conclusion about variant significance. To our knowledge, no occurrence of c.640C>T in individuals affected with ADAMTS2-related conditions and no experimental evidence demonstrating its impact on protein function have been reported. ClinVar contains an entry for this variant (Variation ID: 286306). Based on the evidence outlined above, the variant was classified as uncertain significance.

Blueprint Genetics
Classification: Uncertain significance. Last evaluated: 2024-10-23. Review status: criteria provided, single submitter. Criteria: ACMG Guidelines, 2015. Collection method: clinical testing. Allele origin: germline.

Labcorp Genetics (formerly Invitae), Labcorp
Classification: Uncertain significance for Ehlers-Danlos syndrome, dermatosparaxis type. Last evaluated: 2021-08-31. Review status: criteria provided, single submitter. Criteria: Invitae Variant Classification Sherloc (09022015). Collection method: clinical testing. Allele origin: germline.
Comment: This sequence change replaces arginine with tryptophan at codon 214 of the ADAMTS2 protein (p.Arg214Trp). The arginine residue is highly conserved and there is a moderate physicochemical difference between arginine and tryptophan. The frequency data for this variant in the population databases is considered unreliable, as metrics indicate poor data quality at this position in the ExAC database. This variant has not been reported in the literature in individuals affected with ADAMTS2-related conditions. ClinVar contains an entry for this variant (Variation ID: 286306). Algorithms developed to predict the effect of missense changes on protein structure and function are either unavailable or do not agree on the potential impact of this missense change (SIFT: "Deleterious"; PolyPhen-2: "Probably Damaging"; Align-GVGD: "Class C0"). In summary, the available evidence is currently insufficient to determine the role of this variant in disease. Therefore, it has been classified as a Variant of Uncertain Significance.

Eurofins Ntd Llc (ga)
Classification: Uncertain significance. Last evaluated: 2016-03-03. Review status: criteria provided, single submitter. Criteria: EGL Classification Definitions 2015. Collection method: clinical testing. Allele origin: germline. Observed: 1 variant allele, 1 heterozygote.

PreventionGenetics, part of Exact Sciences
Classification: Uncertain significance for ADAMTS2-related condition. Last evaluated: 2024-07-09. Review status: no assertion criteria provided. Collection method: clinical testing. Allele origin: germline. Not counted in ClinVar's aggregate classification.
Comment: The ADAMTS2 c.640C>T variant is predicted to result in the amino acid substitution p.Arg214Trp. To our knowledge, this variant has not been reported in the literature. This variant is reported in 0.0040% of alleles in individuals of African descent in gnomAD. At this time, the clinical significance of this variant is uncertain due to the absence of conclusive functional and genetic evidence.

NM_014244.5(ADAMTS2):c.640C>T (p.Arg214Trp)

Gene: ADAMTS2 (ADAM metallopeptidase with thrombospondin type 1 motif 2; minus strand). Cytogenetic location: 5q35.3.
Variant type: single nucleotide variant.
Coding change: c.640C>T on transcript NM_014244.5 (MANE Select); coding-DNA position 640, C replaced by T.
Protein change: p.Arg214Trp; replaces arginine 214 with tryptophan.
Molecular consequence: missense variant.
Genome position (GRCh38, 1-based): chr5:179,272,959, G>A on the plus strand (C>T on the coding strand, the complement: ADAMTS2 is on the minus strand). VCF-style: chr5-179272959-G-A. GRCh37 (hg19) VCF-style: chr5-178699960-G-A.
Other names: c.640C>T, p.Arg214Trp (NM_021599.4); c.640C>T (NM_014244.4); short protein forms R214W.
Identifiers: ClinVar variation 286306 (VCV000286306.13), dbSNP rs144732073, ClinGen allele CA3596248.